The following is an entry in ClinVar:

ClinVar aggregate classification (germline): Likely benign (1 of 4 stars; one submission).

Allele frequency attached by ClinVar (database versions not stated): gnomAD 0.00001.
gnomAD v4.1: 11 of 1,608,972 alleles (0.00068%); highest among the groups gnomAD compares: Non-Finnish European, 0.00093%; no homozygotes.

Submission:

CeGaT Center for Human Genetics Tuebingen
Classification: Likely benign. Last evaluated: 2022-03-01. Review status: criteria provided, single submitter. Criteria: CeGaT Center For Human Genetics Tuebingen Variant Classification Criteria Version 2. Collection method: clinical testing. Allele origin: germline. Affected: yes. Observed: 1 variant allele.
Comment: ITPR1: BP4, BP7

NM_001378452.1(ITPR1):c.447C>T (p.Val149=)

Gene: ITPR1 (inositol 1,4,5-trisphosphate receptor type 1; plus strand). Cytogenetic location: 3p26.1.
Variant type: single nucleotide variant.
Coding change: c.447C>T on transcript NM_001378452.1 (MANE Select); coding-DNA position 447, C replaced by T.
Protein change: p.Val149=; no amino-acid change (valine 149 retained).
Molecular consequence: synonymous variant.
Genome position (GRCh38, 1-based): chr3:4,642,173, C>T. VCF-style: chr3-4642173-C-T. GRCh37 (hg19) VCF-style: chr3-4683857-C-T.
Other names: c.447C>T, p.Val149= (NM_001099952.4, NM_001168272.2, NM_002222.7).
Identifiers: ClinVar variation 2653452 (VCV002653452.24), dbSNP rs2093352778, ClinGen allele CA432307556.
Genomic context (GRCh38, chr3:4,642,173, plus strand): 5'-TAAATACCTAACAGTGAATAAGAGGCTTCCTGCTCTGTTGGAGAAGAATGCCATGAGAGT[C>T]ACATTGGACGAGGCTGGAAATGAAGGGTCCTGGTTTTATATTCAGCCATTCTACAAGCTG-3'
Protein context (NP_001365381.1, residues 139-159): PALLEKNAMR[Val149=]TLDEAGNEGS